The following is an entry in ClinVar:

ClinVar aggregate classification (germline): Uncertain significance (1 of 4 stars; one submission).

Conditions:
Cone-rod dystrophy 13 (CORD13). Identifiers: Orphanet 1872, MedGen C2750720, MONDO:0011987, OMIM 608194.
Leber congenital amaurosis 6 (LCA6). Identifiers: Orphanet 65, MedGen C1854260, MONDO:0013446, OMIM 613826.

Allele frequency attached by ClinVar (database versions not stated): gnomAD 0.00001.
gnomAD v4.1: 1 of 1,612,600 alleles (0.000062%); highest among the groups gnomAD compares: Non-Finnish European, 0.000085%; no homozygotes.

Submission:

Labcorp Genetics (formerly Invitae), Labcorp
Classification: Uncertain significance for Leber congenital amaurosis 6; Cone-rod dystrophy 13. Last evaluated: 2025-03-17. Review status: criteria provided, single submitter. Criteria: Invitae Variant Classification Sherloc (09022015). Collection method: clinical testing. Allele origin: germline.
Comment: This sequence change replaces isoleucine, which is neutral and non-polar, with valine, which is neutral and non-polar, at codon 1122 of the RPGRIP1 protein (p.Ile1122Val). This variant is present in population databases (no rsID available, gnomAD 0.007%). This variant has not been reported in the literature in individuals affected with RPGRIP1-related conditions. ClinVar contains an entry for this variant (Variation ID: 840020). Invitae Evidence Modeling of protein sequence and biophysical properties (such as structural, functional, and spatial information, amino acid conservation, physicochemical variation, residue mobility, and thermodynamic stability) indicates that this missense variant is not expected to disrupt RPGRIP1 protein function with a negative predictive value of 80%. In summary, the available evidence is currently insufficient to determine the role of this variant in disease. Therefore, it has been classified as a Variant of Uncertain Significance.

NM_020366.4(RPGRIP1):c.3364A>G (p.Ile1122Val)

Gene: RPGRIP1 (RPGR interacting protein 1; plus strand). Cytogenetic location: 14q11.2.
Variant type: single nucleotide variant.
Coding change: c.3364A>G on transcript NM_020366.4 (MANE Select); coding-DNA position 3364, A replaced by G.
Protein change: p.Ile1122Val; replaces isoleucine 1122 with valine.
Molecular consequence: missense variant.
Genome position (GRCh38, 1-based): chr14:21,343,060, A>G. VCF-style: chr14-21343060-A-G. GRCh37 (hg19) VCF-style: chr14-21811219-A-G.
Other names: c.1342A>G, p.Ile448Val (NM_001377523.1, NM_001377950.1); c.2290A>G, p.Ile764Val (NM_001377948.1); c.1450A>G, p.Ile484Val (NM_001377949.1); c.847A>G, p.Ile283Val (NM_001377951.1); short protein forms I1122V, I764V, I283V, I448V, I484V.
Identifiers: ClinVar variation 840020 (VCV000840020.11), dbSNP rs1363679912, ClinGen allele CA388856802.